The following is an entry in ClinVar:

ClinVar aggregate classification (germline): Pathogenic. Review status: criteria provided, multiple submitters, no conflicts (2 of 4 stars). 2 submissions from 2 submitters: Pathogenic (2). Last evaluated 2025-02-12.

Conditions:
Cardiovascular phenotype. Identifiers: MedGen CN230736.
Myofibrillar myopathy 5. Also called: FILAMINOPATHY, AUTOSOMAL DOMINANT; Filaminopathy (type). Identifiers: Orphanet 171445, MedGen C1836050, MONDO:0012289, OMIM 609524.
Distal myopathy with posterior leg and anterior hand involvement. Also called: WILLIAMS DISTAL MYOPATHY. Identifiers: Orphanet 63273, MedGen C3279722, MONDO:0013550, OMIM 614065.
Hypertrophic cardiomyopathy 26. Also called: Cardiomyopathy, familial hypertrophic, 26. Identifiers: Orphanet 75249, MedGen C4310749, MONDO:0014883, OMIM 617047.

Submissions (2):

Labcorp Genetics (formerly Invitae), Labcorp
Classification: Pathogenic for Distal myopathy with posterior leg and anterior hand involvement; Myofibrillar myopathy 5; Hypertrophic cardiomyopathy 26. Last evaluated: 2025-02-12. Review status: criteria provided, single submitter. Criteria: Invitae Variant Classification Sherloc (09022015). Collection method: clinical testing. Allele origin: germline.
Comment: This sequence change creates a premature translational stop signal (p.Tyr833*) in the FLNC gene. It is expected to result in an absent or disrupted protein product. Loss-of-function variants in FLNC are known to be pathogenic (PMID: 27908349). This variant is not present in population databases (gnomAD no frequency). This variant has not been reported in the literature in individuals affected with FLNC-related conditions. ClinVar contains an entry for this variant (Variation ID: 1072180). For these reasons, this variant has been classified as Pathogenic.

Ambry Genetics
Classification: Pathogenic for Cardiovascular phenotype. Last evaluated: 2022-01-05. Review status: criteria provided, single submitter. Criteria: Ambry Variant Classification Scheme 2023. Collection method: clinical testing. Allele origin: germline.
Comment: The p.Y833* pathogenic mutation (also known as c.2499C>A), located in coding exon 16 of the FLNC gene, results from a C to A substitution at nucleotide position 2499. This changes the amino acid from a tyrosine to a stop codon within coding exon 16. This variant is considered to be rare based on population cohorts in the Genome Aggregation Database (gnomAD). This alteration is expected to result in loss of function by premature protein truncation or nonsense-mediated mRNA decay. As such, this alteration is interpreted as a disease-causing mutation.

Literature cited by the submitters: PubMed 27908349 (cited by Labcorp Genetics (formerly Invitae), Labcorp).

NM_001458.5(FLNC):c.2499C>A (p.Tyr833Ter)

Gene: FLNC (filamin C; plus strand). Cytogenetic location: 7q32.1.
Variant type: single nucleotide variant.
Coding change: c.2499C>A on transcript NM_001458.5 (MANE Select); coding-DNA position 2499, C replaced by A.
Protein change: p.Tyr833Ter; replaces tyrosine 833 with a stop codon.
Molecular consequence: nonsense.
Genome position (GRCh38, 1-based): chr7:128,842,903, C>A. VCF-style: chr7-128842903-C-A. GRCh37 (hg19) VCF-style: chr7-128482957-C-A.
Other names: c.2499C>A, p.Tyr833Ter (NM_001127487.2); short protein forms Y833*.
Identifiers: ClinVar variation 1072180 (VCV001072180.9), dbSNP rs1389742580, ClinGen allele CA369191814.